The following is an entry in ClinVar:

ClinVar aggregate classification (germline): Uncertain significance (1 of 4 stars; one submission).

Allele frequency attached by ClinVar (database versions not stated): ExAC 0.00001; gnomAD 0.00001 and 0.00003; TOPMed 0.00002; gnomAD exomes 0.00004; 1000 Genomes Project 30x 0.00016; 1000 Genomes Project 0.00020.
gnomAD v4.1: 56 of 1,613,818 alleles (0.0035%); highest among the groups gnomAD compares: East Asian, 0.031%; no homozygotes.

Submission:

Labcorp Genetics (formerly Invitae), Labcorp
Classification: Uncertain significance. Last evaluated: 2025-02-24. Review status: criteria provided, single submitter. Criteria: Invitae Variant Classification Sherloc (09022015). Collection method: clinical testing. Allele origin: germline.
Comment: This sequence change replaces arginine, which is basic and polar, with glutamine, which is neutral and polar, at codon 45 of the DSG1 protein (p.Arg45Gln). This variant is present in population databases (rs78287742, gnomAD 0.01%). This variant has not been reported in the literature in individuals affected with DSG1-related conditions. ClinVar contains an entry for this variant (Variation ID: 1439950). Invitae Evidence Modeling of protein sequence and biophysical properties (such as structural, functional, and spatial information, amino acid conservation, physicochemical variation, residue mobility, and thermodynamic stability) indicates that this missense variant is not expected to disrupt DSG1 protein function with a negative predictive value of 80%. In summary, the available evidence is currently insufficient to determine the role of this variant in disease. Therefore, it has been classified as a Variant of Uncertain Significance.

NM_001942.4(DSG1):c.134G>A (p.Arg45Gln)

Gene: DSG1 (desmoglein 1; plus strand). Cytogenetic location: 18q12.1.
Variant type: single nucleotide variant.
Coding change: c.134G>A on transcript NM_001942.4 (MANE Select); coding-DNA position 134, G replaced by A.
Protein change: p.Arg45Gln; replaces arginine 45 with glutamine.
Molecular consequence: missense variant.
Genome position (GRCh38, 1-based): chr18:31,326,923, G>A. VCF-style: chr18-31326923-G-A. GRCh37 (hg19) VCF-style: chr18-28906886-G-A.
Other names: short protein forms R45Q.
Identifiers: ClinVar variation 1439950 (VCV001439950.8), dbSNP rs78287742, ClinGen allele CA8925772.